The following is an entry in ClinVar:

NM_001354483.2(CSGALNACT1):c.1227G>A (p.Leu409=)

Gene: CSGALNACT1 (chondroitin sulfate N-acetylgalactosaminyltransferase 1; minus strand). Cytogenetic location: 8p21.3.
Variant type: single nucleotide variant.
Coding change: c.1227G>A on transcript NM_001354483.2 (MANE Select); coding-DNA position 1227, G replaced by A.
Protein change: p.Leu409=; no amino-acid change (leucine 409 retained).
Molecular consequence: synonymous variant. On other transcripts: non-coding transcript variant (7).
Genome position (GRCh38, 1-based): chr8:19,418,656, C>T on the plus strand (G>A on the coding strand, the complement: CSGALNACT1 is on the minus strand). VCF-style: chr8-19418656-C-T. GRCh37 (hg19) VCF-style: chr8-19276167-C-T.
Other names: c.1227G>A, p.Leu409= (NM_001130518.2, NM_001354475.2, NM_001354476.2 and 18 more transcripts).
Identifiers: ClinVar variation 1395406 (VCV001395406.6), dbSNP rs2153692755, ClinGen allele CA459678165.
Genomic context (GRCh38, chr8:19,418,656, plus strand): 5'-CCTGGTAATGACAGACACTAAACAGAGCCACACAGAGCCATCTGCAGGGTAATTACTCAC[C>T]AGCTGCTGTTCCAAGGGAGGGACTGCATCATGGTGGCCGTATATTATGCCAGGATTGTAC-3'
Protein context (NP_001341412.1, residues 399-419): HDAVPPLEQQ[Leu409=]VIKKETGFWR

ClinVar aggregate classification (germline): Uncertain significance (1 of 4 stars; one submission).

Submission:

Labcorp Genetics (formerly Invitae), Labcorp
Classification: Uncertain significance. Last evaluated: 2022-07-19. Review status: criteria provided, single submitter. Criteria: Invitae Variant Classification Sherloc (09022015). Collection method: clinical testing. Allele origin: germline.
Comment: This sequence change affects codon 409 of the CSGALNACT1 mRNA. It is a 'silent' change, meaning that it does not change the encoded amino acid sequence of the CSGALNACT1 protein. This variant also falls at the last nucleotide of exon 8, which is part of the consensus splice site for this exon. In summary, the available evidence is currently insufficient to determine the role of this variant in disease. Therefore, it has been classified as a Variant of Uncertain Significance. Variants that disrupt the consensus splice site are a relatively common cause of aberrant splicing (PMID: 17576681, 9536098). Algorithms developed to predict the effect of sequence changes on RNA splicing suggest that this variant may disrupt the consensus splice site. ClinVar contains an entry for this variant (Variation ID: 1395406). This variant has not been reported in the literature in individuals affected with CSGALNACT1-related conditions. This variant is not present in population databases (gnomAD no frequency).

Literature cited by the submitters: PubMed 17576681; PubMed 9536098.